The following is an entry in ClinVar:

NM_024334.3(TMEM43):c.206C>T (p.Ser69Leu)

Gene: TMEM43 (transmembrane protein 43; plus strand). Cytogenetic location: 3p25.1.
Variant type: single nucleotide variant.
Coding change: c.206C>T on transcript NM_024334.3 (MANE Select); coding-DNA position 206, C replaced by T.
Protein change: p.Ser69Leu; replaces serine 69 with leucine.
Molecular consequence: missense variant.
Genome position (GRCh38, 1-based): chr3:14,130,865, C>T. VCF-style: chr3-14130865-C-T. GRCh37 (hg19) VCF-style: chr3-14172365-C-T.
Other names: short protein forms S69L.
Identifiers: ClinVar variation 191782 (VCV000191782.17), dbSNP rs369779779, ClinGen allele CA024623.

ClinVar aggregate classification (germline): Conflicting classifications of pathogenicity. Review status: criteria provided, conflicting classifications (1 of 4 stars). 7 submissions from 7 submitters: Uncertain significance (3); Benign (1); Likely benign (3). Last evaluated 2026-01-27.

Conditions:
TMEM43-related disorder. Also called: TMEM43-related condition.
Cardiovascular phenotype. Identifiers: MedGen CN230736.
Cardiomyopathy (CMYO). Also called: Cardiomyopathies. Identifiers: Orphanet 167848, MedGen C0878544, MONDO:0004994, HP:0001638. Inheritance: Various modes of inheritance.
Arrhythmogenic right ventricular dysplasia 5. Also called: Arrhythmogenic Right Ventricular Dysplasia/Cardiomyopathy 5; ARRHYTHMOGENIC RIGHT VENTRICULAR DYSPLASIA, FAMILIAL, 5. Identifiers: MedGen C1858379, MONDO:0011459, OMIM 604400.

Allele frequency attached by ClinVar (database versions not stated): gnomAD exomes 0.00002 and 0.00006; TOPMed 0.00003; gnomAD 0.00004 and 0.00006; ExAC 0.00006; 1000 Genomes Project 30x 0.00031; 1000 Genomes Project 0.00040.
gnomAD v4.1: 45 of 1,613,840 alleles (0.0028%); highest among the groups gnomAD compares: East Asian, 0.031%; no homozygotes.

Submissions (7):

Labcorp Genetics (formerly Invitae), Labcorp
Classification: Uncertain significance for Arrhythmogenic right ventricular dysplasia 5. Last evaluated: 2026-01-27. Review status: criteria provided, single submitter. Criteria: Invitae Variant Classification Sherloc (09022015). Collection method: clinical testing. Allele origin: germline.
Comment: This sequence change replaces serine, which is neutral and polar, with leucine, which is neutral and non-polar, at codon 69 of the TMEM43 protein (p.Ser69Leu). This variant is present in population databases (rs369779779, gnomAD 0.06%), and has an allele count higher than expected for a pathogenic variant. This variant has not been reported in the literature in individuals affected with TMEM43-related conditions. ClinVar contains an entry for this variant (Variation ID: 191782). Invitae Evidence Modeling of protein sequence and biophysical properties (such as structural, functional, and spatial information, amino acid conservation, physicochemical variation, residue mobility, and thermodynamic stability) has been performed for this missense variant. However, the output from this modeling did not meet the statistical confidence thresholds required to predict the impact of this variant on TMEM43 protein function. In summary, the available evidence is currently insufficient to determine the role of this variant in disease. Therefore, it has been classified as a Variant of Uncertain Significance.

Molecular Diagnostic Laboratory for Inherited Cardiovascular Disease, Montreal Heart Institute
Classification: Likely benign. Last evaluated: 2025-07-24. Review status: criteria provided, single submitter. Criteria: ACMG Guidelines, 2015. Collection method: clinical testing. Allele origin: germline. Affected: no.
Comment: BS1;BP4

PreventionGenetics, part of Exact Sciences
Classification: Likely benign for TMEM43-related condition. Last evaluated: 2025-02-19. Review status: criteria provided, single submitter. Criteria: ACMG Guidelines, 2015. Collection method: clinical testing. Allele origin: germline.
Comment: This variant is classified as likely benign based on ACMG/AMP sequence variant interpretation guidelines (Richards et al. 2015 PMID: 25741868, with internal and published modifications).

GeneDx
Classification: Uncertain significance. Last evaluated: 2022-05-27. Review status: criteria provided, single submitter. Criteria: GeneDx Variant Classification Process June 2021. Collection method: clinical testing. Allele origin: germline. Affected: yes.
Comment: In silico analysis supports that this missense variant has a deleterious effect on protein structure/function; Has not been previously published as pathogenic or benign to our knowledge

Ambry Genetics
Classification: Benign for Cardiovascular phenotype. Last evaluated: 2022-01-05. Review status: criteria provided, single submitter. Criteria: Ambry Variant Classification Scheme 2023. Collection method: clinical testing. Allele origin: germline.

Color Diagnostics, LLC DBA Color Health
Classification: Likely benign for Cardiomyopathy. Last evaluated: 2020-01-28. Review status: criteria provided, single submitter. Criteria: ACMG Guidelines, 2015. Collection method: clinical testing. Allele origin: germline.

Biesecker Lab/Clinical Genomics Section, National Institutes of Health
Classification: Uncertain significance. Last evaluated: 2013-06-24. Review status: criteria provided, single submitter. Criteria: Ng et al. (Circ Cardiovasc Genet. 2013). Collection method: research. Allele origin: unknown. Observed: 1 variant allele. Study: ClinSeq.
Comment: The study set was not selected for affection status in relation to any cancer. Pathogenicity categories were based on literature curation. See Pubmed ID:23861362 for details.

Medical sequencing

Literature cited by the submitters: PubMed 23861362 (cited by Ambry Genetics).